The following is an entry in ClinVar:

NM_002465.4(MYBPC1):c.2510T>G (p.Val837Gly)

Gene: MYBPC1 (myosin binding protein C1; plus strand). Cytogenetic location: 12q23.2.
Variant type: single nucleotide variant.
Coding change: c.2510T>G on transcript NM_002465.4 (MANE Select); coding-DNA position 2510, T replaced by G.
Protein change: p.Val837Gly; replaces valine 837 with glycine.
Molecular consequence: missense variant.
Genome position (GRCh38, 1-based): chr12:101,667,885, T>G. VCF-style: chr12-101667885-T-G. GRCh37 (hg19) VCF-style: chr12-102061663-T-G.
Other names: c.2489T>G, p.Val830Gly (NM_001254718.3, NM_206820.4); c.2435T>G, p.Val812Gly (NM_001254719.3, NM_206821.4); c.2399T>G, p.Val800Gly (NM_001254720.3); c.2378T>G, p.Val793Gly (NM_001254721.3, NM_001404676.1, NM_001404678.1); c.2357T>G, p.Val786Gly (NM_001254722.3, NM_001404680.1); c.2396T>G, p.Val799Gly (NM_001254723.3); c.2510T>G, p.Val837Gly (NM_001404675.1, NM_206819.4); c.2300T>G, p.Val767Gly (NM_001404677.1, NM_001404679.1, NM_001404681.1); and 1 more; short protein forms V837G, V786G, V800G, V812G, V793G, V799G, V830G, V767G.
Identifiers: ClinVar variation 435910 (VCV000435910.9), dbSNP rs1555250509, ClinGen allele CA386271140.

ClinVar aggregate classification (germline): Conflicting classifications of pathogenicity. Review status: criteria provided, conflicting classifications (1 of 4 stars). 3 submissions from 3 submitters: Uncertain significance (2); Likely benign (1). Last evaluated 2024-09-20.

Conditions:
Lethal congenital contracture syndrome 4 (LCCS4). Identifiers: MedGen C3554046, MONDO:0013965, OMIM 614915.
Myopathy, congenital, with tremor. Also called: CONGENITAL MYOPATHY 16; myogenic tremor. Identifiers: MedGen C5231401, MONDO:0032797, OMIM 618524.

Submissions (3):

3billion
Classification: Likely benign for Lethal congenital contracture syndrome 4. Last evaluated: 2024-09-20. Review status: criteria provided, single submitter. Criteria: ACMG Guidelines, 2015. Collection method: clinical testing. Allele origin: germline. Affected: no.
Comment: The homozygous variant was found in patients diagnosed with another variant in a different gene, with no symptoms related to the gene containing the homozygous variant.

Genomic Medicine Center of Excellence, King Faisal Specialist Hospital and Research Centre
Classification: Uncertain significance for Myopathy, congenital, with tremor. Last evaluated: 2024-03-26. Review status: criteria provided, single submitter. Criteria: ACMG Guidelines, 2015. Collection method: clinical testing. Allele origin: germline.

Genetic Services Laboratory, University of Chicago
Classification: Uncertain significance. Last evaluated: 2016-06-29. Review status: criteria provided, single submitter. Criteria: ACMG Guidelines, 2015. Collection method: clinical testing. Allele origin: germline. Affected: no.